The following is an entry in ClinVar:

NM_000059.4(BRCA2):c.693C>G (p.Ser231Arg)

Gene: BRCA2 (BRCA2 DNA repair associated; plus strand). Cytogenetic location: 13q13.1.
Variant type: single nucleotide variant.
Coding change: c.693C>G on transcript NM_000059.4 (MANE Select); coding-DNA position 693, C replaced by G.
Protein change: p.Ser231Arg; replaces serine 231 with arginine.
Molecular consequence: missense variant.
Genome position (GRCh38, 1-based): chr13:32,330,930, C>G. VCF-style: chr13-32330930-C-G. GRCh37 (hg19) VCF-style: chr13-32905067-C-G.
Other names: short protein forms S231R.
Identifiers: ClinVar variation 1484644 (VCV001484644.6), dbSNP rs1593890108, ClinGen allele CA387759876.

ClinVar aggregate classification (germline): Uncertain significance (1 of 4 stars; one submission).

Conditions:
Hereditary breast ovarian cancer syndrome. Also called: Hereditary breast and/or ovarian cancer syndrome; Hereditary breast and ovarian cancer syndrome (HBOC); Breast and ovarian cancer; Hereditary breast and ovarian cancer; Hereditary breast and ovarian cancer syndrome; BRCA1- and BRCA2-Associated Hereditary Breast and Ovarian Cancer. Identifiers: Orphanet 145, MedGen C0677776, MeSH D061325, MONDO:0003582. Disease mechanism: loss of function.

Submission:

Labcorp Genetics (formerly Invitae), Labcorp
Classification: Uncertain significance for Hereditary breast ovarian cancer syndrome. Last evaluated: 2021-10-12. Review status: criteria provided, single submitter. Criteria: Invitae Variant Classification Sherloc (09022015). Collection method: clinical testing. Allele origin: germline.
Comment: This sequence change replaces serine with arginine at codon 231 of the BRCA2 protein (p.Ser231Arg). The serine residue is moderately conserved and there is a moderate physicochemical difference between serine and arginine. This variant is not present in population databases (ExAC no frequency). This variant has not been reported in the literature in individuals affected with BRCA2-related conditions. Advanced modeling of protein sequence and biophysical properties (such as structural, functional, and spatial information, amino acid conservation, physicochemical variation, residue mobility, and thermodynamic stability) performed at Invitae indicates that this missense variant is not expected to disrupt BRCA2 protein function. Algorithms developed to predict the effect of sequence changes on RNA splicing suggest that this variant may create or strengthen a splice site. In summary, the available evidence is currently insufficient to determine the role of this variant in disease. Therefore, it has been classified as a Variant of Uncertain Significance.